The following is an entry in ClinVar:

ClinVar aggregate classification (germline): Uncertain significance (1 of 4 stars; one submission).

gnomAD v4.1: 2 of 1,601,808 alleles (0.00012%); highest among the groups gnomAD compares: Non-Finnish European, 0.00017%; no homozygotes.

Submission:

Labcorp Genetics (formerly Invitae), Labcorp
Classification: Uncertain significance. Last evaluated: 2025-05-28. Review status: criteria provided, single submitter. Criteria: Invitae Variant Classification Sherloc (09022015). Collection method: clinical testing. Allele origin: germline.
Comment: This sequence change replaces alanine, which is neutral and non-polar, with valine, which is neutral and non-polar, at codon 1435 of the MYO7A protein (p.Ala1435Val). This variant is not present in population databases (gnomAD no frequency). This variant has not been reported in the literature in individuals affected with MYO7A-related conditions. Invitae Evidence Modeling of protein sequence and biophysical properties (such as structural, functional, and spatial information, amino acid conservation, physicochemical variation, residue mobility, and thermodynamic stability) indicates that this missense variant is not expected to disrupt MYO7A protein function with a negative predictive value of 95%. In summary, the available evidence is currently insufficient to determine the role of this variant in disease. Therefore, it has been classified as a Variant of Uncertain Significance.

NM_000260.4(MYO7A):c.4304C>T (p.Ala1435Val)

Gene: MYO7A (myosin VIIA; plus strand). Cytogenetic location: 11q13.5.
Variant type: single nucleotide variant.
Coding change: c.4304C>T on transcript NM_000260.4 (MANE Select); coding-DNA position 4304, C replaced by T.
Protein change: p.Ala1435Val; replaces alanine 1435 with valine.
Molecular consequence: missense variant.
Genome position (GRCh38, 1-based): chr11:77,194,505, C>T. VCF-style: chr11-77194505-C-T. GRCh37 (hg19) VCF-style: chr11-76905550-C-T.
Other names: c.4304C>T, p.Ala1435Val (NM_001127180.2); c.4271C>T, p.Ala1424Val (NM_001369365.1); short protein forms A1424V, A1435V.
Identifiers: ClinVar variation 4751631 (VCV004751631.1).